The following is an entry in ClinVar:

ClinVar aggregate classification (germline): Likely pathogenic (1 of 4 stars; one submission).

Submission:

Genetic Services Laboratory, University of Chicago
Classification: Likely pathogenic. Last evaluated: 2021-12-09. Review status: criteria provided, single submitter. Criteria: ACMG Guidelines, 2015. Collection method: clinical testing. Allele origin: germline. Affected: yes.
Comment: DNA sequence analysis of the BRPF1 gene demonstrated a single base pair deletion in exon 8, c.2398del. This sequence change results in an amino acid frameshift and creates a premature stop codon three amino acids downstream of the variant, p.Asp800Thrfs*3. This sequence change is predicted to result in an abnormal transcript, which may be degraded, or may lead to the production of a truncated BRPF1 protein with potentially abnormal function. The c.2398del sequence change has not been described in the gnomAD population database. While his sequence change has not previously been described in BRPF1-related disorder, other truncating variants downstream of this variant have been reported in individuals with BRPF1-related disorder (PMID: 27939640). Collectively, this evidence suggests c.2398del is likely pathogenic.

NM_001003694.2(BRPF1):c.2398del (p.Asp800fs)

Gene: BRPF1 (bromodomain and PHD finger containing 1; plus strand). Cytogenetic location: 3p25.3.
Variant type: Deletion.
Coding change: c.2398del on transcript NM_001003694.2 (MANE Select); coding-DNA position 2398, one base deleted (G; older notation c.2398delG).
Protein change: p.Asp800fs; shifts the reading frame from aspartic acid 800.
Molecular consequence: frameshift variant. On other transcripts: non-coding transcript variant (1).
Genome position (GRCh38, 1-based): chr3:9,743,664, G deleted; the last of 2 consecutive G bases (chr3:9,743,663-9,743,664); deleting either gives the same sequence. VCF-style (leftmost placement, unchanged base first): chr3-9743662-TG-T. GRCh37 (hg19) VCF-style: chr3-9785346-TG-T.
Other names: c.2380del, p.Asp794fs (NM_001319049.2, NM_004634.3); c.2377del, p.Asp793fs (NM_001319050.2); short protein forms D793fs, D794fs, D800fs.
Identifiers: ClinVar variation 1335931 (VCV001335931.4), dbSNP rs2125509502, ClinGen allele CA2573052255.